The following is an entry in ClinVar:

NM_024753.5(TTC21B):c.470A>G (p.Lys157Arg)

Genes: TTC21B (tetratricopeptide repeat domain 21B; minus strand), TTC21B-AS1 (TTC21B antisense RNA 1; plus strand). Cytogenetic location: 2q24.3.
Variant type: single nucleotide variant.
Coding change: c.470A>G on transcript NM_024753.5 (MANE Select); coding-DNA position 470, A replaced by G.
Protein change: p.Lys157Arg; replaces lysine 157 with arginine.
Molecular consequence: missense variant.
Genome position (GRCh38, 1-based): chr2:165,943,301, T>C on the plus strand (A>G on the coding strand, the complement: TTC21B is on the minus strand). VCF-style: chr2-165943301-T-C. GRCh37 (hg19) VCF-style: chr2-166799811-T-C.
Other names: short protein forms K157R.
Identifiers: ClinVar variation 4989647 (VCV004989647.1).
Genomic context (GRCh38, chr2:165,943,301, plus strand): 5'-TCATTCCCATCTTGGAGTCCCTCTTCAAAATACTTCAGTGCTTTTTTAGTGTAAGGCTCT[T>C]TTCCTCTTGTAATATCAAGCCATGCTTTCAAAACGTGTCCCTGTAAAATGAATAATTCTA-3'
Protein context (NP_079029.3, residues 147-167): LKAWLDITRG[Lys157Arg]EPYTKKALKY

ClinVar aggregate classification (germline): Uncertain significance (1 of 4 stars; one submission).

Conditions:
TTC21B-related disorder. Also called: TTC21B-related disorders; TTC21B-related condition.

gnomAD v4.1: 1 of 1,611,372 alleles (0.000062%); highest among the groups gnomAD compares: Admixed American, 0.0017%; no homozygotes.

Submission:

PreventionGenetics, part of Exact Sciences
Classification: Uncertain significance for TTC21B-related condition. Last evaluated: 2025-03-02. Review status: criteria provided, single submitter. Criteria: ACMG Guidelines, 2015. Collection method: clinical testing. Allele origin: germline.
Comment: The TTC21B c.470A>G variant is predicted to result in the amino acid substitution p.Lys157Arg. To our knowledge, this variant has not been reported in the literature. Another variant affecting this amino acid (c.469A>G, p.Lys157Glu) has been reported in a patient with ciliopathy (Supplementary Table 2, Davis et al. 2011. PubMed ID: 21258341). This variant is reported in 0.00088% of alleles in individuals of European (Non-Finnish) descent in gnomAD. At this time, the clinical significance of this variant is uncertain due to the absence of conclusive functional and genetic evidence.